The following is an entry in ClinVar:

NM_000565.4(IL6R):c.491C>T (p.Pro164Leu)

Gene: IL6R (interleukin 6 receptor; plus strand). Cytogenetic location: 1q21.3.
Variant type: single nucleotide variant.
Coding change: c.491C>T on transcript NM_000565.4 (MANE Select); coding-DNA position 491, C replaced by T.
Protein change: p.Pro164Leu; replaces proline 164 with leucine.
Molecular consequence: missense variant.
Genome position (GRCh38, 1-based): chr1:154,434,551, C>T. VCF-style: chr1-154434551-C-T. GRCh37 (hg19) VCF-style: chr1-154407027-C-T.
Other names: c.491C>T, p.Pro164Leu (NM_001206866.2, NM_001382769.1, NM_001382770.1 and 4 more transcripts); c.131C>T, p.Pro44Leu (NM_001382774.1); short protein forms P164L, P44L.
Identifiers: ClinVar variation 1400318 (VCV001400318.5), dbSNP rs779664192, ClinGen allele CA1129043.

ClinVar aggregate classification (germline): Uncertain significance (1 of 4 stars; one submission).

Allele frequency attached by ClinVar (database versions not stated): gnomAD 0.00001; ExAC 0.00002.
gnomAD v4.1: 10 of 1,613,832 alleles (0.00062%); highest among the groups gnomAD compares: Admixed American, 0.0017%; no homozygotes.

Submission:

Labcorp Genetics (formerly Invitae), Labcorp
Classification: Uncertain significance. Last evaluated: 2021-08-30. Review status: criteria provided, single submitter. Criteria: Invitae Variant Classification Sherloc (09022015). Collection method: clinical testing. Allele origin: germline.
Comment: This sequence change replaces proline with leucine at codon 164 of the IL6R protein (p.Pro164Leu). The proline residue is moderately conserved and there is a moderate physicochemical difference between proline and leucine. This variant is present in population databases (rs779664192, ExAC 0.009%). This variant has not been reported in the literature in individuals affected with IL6R-related conditions. Algorithms developed to predict the effect of missense changes on protein structure and function are either unavailable or do not agree on the potential impact of this missense change (SIFT: "Deleterious"; PolyPhen-2: "Benign"; Align-GVGD: "Class C0"). In summary, the available evidence is currently insufficient to determine the role of this variant in disease. Therefore, it has been classified as a Variant of Uncertain Significance.